The following is an entry in ClinVar:

NM_003322.6(TULP1):c.1433A>G (p.Asn478Ser)

Gene: TULP1 (TUB like protein 1; minus strand). Cytogenetic location: 6p21.31.
Variant type: single nucleotide variant.
Coding change: c.1433A>G on transcript NM_003322.6 (MANE Select); coding-DNA position 1433, A replaced by G.
Protein change: p.Asn478Ser; replaces asparagine 478 with serine.
Molecular consequence: missense variant.
Genome position (GRCh38, 1-based): chr6:35,500,043, T>C on the plus strand (A>G on the coding strand, the complement: TULP1 is on the minus strand). VCF-style: chr6-35500043-T-C. GRCh37 (hg19) VCF-style: chr6-35467820-T-C.
Other names: c.1274A>G, p.Asn425Ser (NM_001289395.2); short protein forms N478S, N425S.
Identifiers: ClinVar variation 1034770 (VCV001034770.6), dbSNP rs138537513, ClinGen allele CA3772553.

ClinVar aggregate classification (germline): Uncertain significance (1 of 4 stars; one submission).

Allele frequency attached by ClinVar (database versions not stated): ExAC 0.00002; gnomAD 0.00003 and 0.00004; TOPMed 0.00006; ESP Exome Variant Server 0.00008.
gnomAD v4.1: 7 of 1,613,808 alleles (0.00043%); highest among the groups gnomAD compares: African/African-American, 0.0067%; no homozygotes.

Submission:

Labcorp Genetics (formerly Invitae), Labcorp
Classification: Uncertain significance. Last evaluated: 2022-10-24. Review status: criteria provided, single submitter. Criteria: Invitae Variant Classification Sherloc (09022015). Collection method: clinical testing. Allele origin: germline.
Comment: In summary, the available evidence is currently insufficient to determine the role of this variant in disease. Therefore, it has been classified as a Variant of Uncertain Significance. Advanced modeling of protein sequence and biophysical properties (such as structural, functional, and spatial information, amino acid conservation, physicochemical variation, residue mobility, and thermodynamic stability) performed at Invitae indicates that this missense variant is expected to disrupt TULP1 protein function. ClinVar contains an entry for this variant (Variation ID: 1034770). This variant has not been reported in the literature in individuals affected with TULP1-related conditions. This variant is present in population databases (rs138537513, gnomAD 0.03%). This sequence change replaces asparagine with serine at codon 478 of the TULP1 protein (p.Asn478Ser). The asparagine residue is highly conserved and there is a small physicochemical difference between asparagine and serine.